The following is an entry in ClinVar:

NM_001283009.2(RTEL1):c.3402C>G (p.Asp1134Glu)

Genes: RTEL1 (regulator of telomere elongation helicase 1; plus strand), RTEL1-TNFRSF6B (RTEL1-TNFRSF6B readthrough (NMD candidate); plus strand). Cytogenetic location: 20q13.33.
Variant type: single nucleotide variant.
Coding change: c.3402C>G on transcript NM_001283009.2 (MANE Select); coding-DNA position 3402, C replaced by G.
Protein change: p.Asp1134Glu; replaces aspartic acid 1134 with glutamic acid.
Molecular consequence: missense variant. On other transcripts: non-coding transcript variant (1).
Genome position (GRCh38, 1-based): chr20:63,695,124, C>G. VCF-style: chr20-63695124-C-G. GRCh37 (hg19) VCF-style: chr20-62326477-C-G.
Other names: c.2733C>G, p.Asp911Glu (NM_001283010.1); c.3402C>G, p.Asp1134Glu (NM_016434.4); c.3474C>G, p.Asp1158Glu (NM_032957.5); short protein forms D1158E, D911E, D1134E.
Identifiers: ClinVar variation 3435924 (VCV003435924.1).

ClinVar aggregate classification (germline): Uncertain significance (1 of 4 stars; one submission).

Conditions:
Inborn genetic diseases. Identifiers: MedGen C0950123, MeSH D030342.

gnomAD v4.1: 5 of 1,612,422 alleles (0.00031%); highest among the groups gnomAD compares: South Asian, 0.0011%; no homozygotes.

Submission:

Ambry Genetics
Classification: Uncertain significance for Inborn genetic diseases. Last evaluated: 2024-11-18. Review status: criteria provided, single submitter. Criteria: Ambry Variant Classification Scheme 2023. Collection method: clinical testing. Allele origin: germline.
Comment: The p.D1158E variant (also known as c.3474C>G), located in coding exon 32 of the RTEL1 gene, results from a C to G substitution at nucleotide position 3474. The aspartic acid at codon 1158 is replaced by glutamic acid, an amino acid with highly similar properties. This amino acid position is conserved. In addition, the in silico prediction for this alteration is inconclusive. Based on the available evidence, the clinical significance of this variant remains unclear.